The following is an entry in ClinVar:

NM_015192.4(PLCB1):c.778G>C (p.Glu260Gln)

Gene: PLCB1 (phospholipase C beta 1; plus strand). Cytogenetic location: 20p12.3.
Variant type: single nucleotide variant.
Coding change: c.778G>C on transcript NM_015192.4 (MANE Select); coding-DNA position 778, G replaced by C.
Protein change: p.Glu260Gln; replaces glutamic acid 260 with glutamine.
Molecular consequence: missense variant.
Genome position (GRCh38, 1-based): chr20:8,658,620, G>C. VCF-style: chr20-8658620-G-C. GRCh37 (hg19) VCF-style: chr20-8639267-G-C.
Other names: c.778G>C, p.Glu260Gln (NM_182734.3); short protein forms E260Q.
Identifiers: ClinVar variation 1473289 (VCV001473289.8), dbSNP rs2123322675, ClinGen allele CA408264222.

ClinVar aggregate classification (germline): Uncertain significance (1 of 4 stars; one submission).

Conditions:
Developmental and epileptic encephalopathy, 12 (DEE12). Identifiers: MedGen C3150988, MONDO:0013389, OMIM 613722.

Submission:

Labcorp Genetics (formerly Invitae), Labcorp
Classification: Uncertain significance for Developmental and epileptic encephalopathy, 12. Last evaluated: 2021-04-02. Review status: criteria provided, single submitter. Criteria: Invitae Variant Classification Sherloc (09022015). Collection method: clinical testing. Allele origin: germline.
Comment: In summary, the available evidence is currently insufficient to determine the role of this variant in disease. Therefore, it has been classified as a Variant of Uncertain Significance. Algorithms developed to predict the effect of missense changes on protein structure and function are either unavailable or do not agree on the potential impact of this missense change (SIFT: "Tolerated"; PolyPhen-2: "Probably Damaging"; Align-GVGD: "Class C0"). This variant has not been reported in the literature in individuals with PLCB1-related conditions. This variant is not present in population databases (ExAC no frequency). This sequence change replaces glutamic acid with glutamine at codon 260 of the PLCB1 protein (p.Glu260Gln). The glutamic acid residue is highly conserved and there is a small physicochemical difference between glutamic acid and glutamine.